The following is an entry in ClinVar:

NM_182972.3(IRF2BP2):c.790C>T (p.Pro264Ser)

Gene: IRF2BP2 (interferon regulatory factor 2 binding protein 2; minus strand). Cytogenetic location: 1q42.3.
Variant type: single nucleotide variant.
Coding change: c.790C>T on transcript NM_182972.3 (MANE Select); coding-DNA position 790, C replaced by T.
Protein change: p.Pro264Ser; replaces proline 264 with serine.
Molecular consequence: missense variant.
Genome position (GRCh38, 1-based): chr1:234,608,705, G>A on the plus strand (C>T on the coding strand, the complement: IRF2BP2 is on the minus strand). VCF-style: chr1-234608705-G-A. GRCh37 (hg19) VCF-style: chr1-234744451-G-A.
Other names: c.790C>T (NM_182972.2); c.790C>T, p.Pro264Ser (NM_001077397.1); short protein forms P264S.
Identifiers: ClinVar variation 3016012 (VCV003016012.4), dbSNP rs1326230973, ClinGen allele CA345308442.

ClinVar aggregate classification (germline): Uncertain significance. Review status: criteria provided, multiple submitters, no conflicts (2 of 4 stars). 2 submissions from 2 submitters: Uncertain significance (2). Last evaluated 2025-04-02.

Allele frequency attached by ClinVar (database versions not stated): TOPMed 0.00001; gnomAD exomes 0.00001.

Submissions (2):

Labcorp Genetics (formerly Invitae), Labcorp
Classification: Uncertain significance. Last evaluated: 2025-04-02. Review status: criteria provided, single submitter. Criteria: Invitae Variant Classification Sherloc (09022015). Collection method: clinical testing. Allele origin: germline.
Comment: This sequence change replaces proline, which is neutral and non-polar, with serine, which is neutral and polar, at codon 264 of the IRF2BP2 protein (p.Pro264Ser). This variant is not present in population databases (gnomAD no frequency). This variant has not been reported in the literature in individuals affected with IRF2BP2-related conditions. ClinVar contains an entry for this variant (Variation ID: 3016012). An algorithm developed to predict the effect of missense changes on protein structure and function outputs the following: PolyPhen-2: "Benign". The serine amino acid residue is found in multiple mammalian species, which suggests that this missense change does not adversely affect protein function. In summary, the available evidence is currently insufficient to determine the role of this variant in disease. Therefore, it has been classified as a Variant of Uncertain Significance.

Ambry Genetics
Classification: Uncertain significance. Last evaluated: 2023-12-27. Review status: criteria provided, single submitter. Criteria: Ambry Variant Classification Scheme 2023. Collection method: clinical testing. Allele origin: germline.